The following is an entry in ClinVar:

ClinVar aggregate classification (germline): Likely benign. Review status: criteria provided, multiple submitters, no conflicts (2 of 4 stars). 2 submissions from 2 submitters: Likely benign (2). Last evaluated 2024-10-17.

Conditions:
EGFR-related lung cancer (EGFR). Identifiers: MedGen CN130014.
Lung cancer. Also called: Malignant tumor of lung; Lung cancer, somatic. Identifiers: MedGen C0242379, MONDO:0008903, OMIM 211980.

Allele frequency attached by ClinVar (database versions not stated): gnomAD exomes below 0.00001.
gnomAD v4.1: 1 of 1,613,190 alleles (0.000062%); highest among the groups gnomAD compares: South Asian, 0.0011%; no homozygotes.

Submissions (2):

Myriad Genetics, Inc.
Classification: Likely benign for Lung cancer. Last evaluated: 2024-10-17. Review status: criteria provided, single submitter. Criteria: Myriad Autosomal Dominant, Autosomal Recessive and X-Linked Classification Criteria (2023). Collection method: clinical testing. Allele origin: unknown.
Comment: This variant is considered likely benign. This variant is intronic and is not expected to impact mRNA splicing.

Labcorp Genetics (formerly Invitae), Labcorp
Classification: Likely benign for EGFR-related lung cancer. Last evaluated: 2024-04-15. Review status: criteria provided, single submitter. Criteria: Invitae Variant Classification Sherloc (09022015). Collection method: clinical testing. Allele origin: germline.

NM_005228.5(EGFR):c.2625+8G>T

Gene: EGFR (epidermal growth factor receptor; plus strand). Cytogenetic location: 7p11.2.
Variant type: single nucleotide variant.
Coding change: c.2625+8G>T on transcript NM_005228.5 (MANE Select); 8 bases into the intron after coding-DNA position 2625, G replaced by T.
Molecular consequence: intron variant.
Genome position (GRCh38, 1-based): chr7:55,191,882, G>T. VCF-style: chr7-55191882-G-T. GRCh37 (hg19) VCF-style: chr7-55259575-G-T.
Other names: c.2490+8G>T (NM_001346899.2, NM_001346897.2); c.1824+8G>T (NM_001346941.2); c.2625+8G>T (NM_001346898.2); c.2466+8G>T (NM_001346900.2).
Identifiers: ClinVar variation 1671059 (VCV001671059.9), dbSNP rs104886014, ClinGen allele CA574324905.